The following is an entry in ClinVar:

ClinVar aggregate classification (germline): Uncertain significance (1 of 4 stars; one submission).

Submission:

Dasa
Classification: Uncertain significance. Last evaluated: 2025-07-11. Review status: criteria provided, single submitter. Criteria: DASA Assertion Criteria. Collection method: clinical testing. Allele origin: germline.
Comment: NM_021614.4(KCNN2):c.419G>C (p.Arg140Pro) is a missense variant that results in the substitution of arginine with proline. This variant is rare in population databases. The currently available literature and clinical evidence are not sufficient to establish a definitive association between this variant and the reported condition. Therefore, this variant is classified as a variant of uncertain significance.

NM_021614.4(KCNN2):c.419G>C (p.Arg140Pro)

Gene: KCNN2 (potassium calcium-activated channel subfamily N member 2; plus strand). Cytogenetic location: 5q22.3.
Variant type: single nucleotide variant.
Coding change: c.419G>C on transcript NM_021614.4 (MANE Select); coding-DNA position 419, G replaced by C.
Protein change: p.Arg140Pro; replaces arginine 140 with proline.
Molecular consequence: missense variant. On other transcripts: non-coding transcript variant (1).
Genome position (GRCh38, 1-based): chr5:114,362,558, G>C. VCF-style: chr5-114362558-G-C. GRCh37 (hg19) VCF-style: chr5-113698255-G-C.
Other names: c.617G>C, p.Arg206Pro (NM_001372233.1); short protein forms R140P, R206P.
Identifiers: ClinVar variation 4886727 (VCV004886727.2).